The following is an entry in ClinVar:

ClinVar aggregate classification (germline): Likely pathogenic (1 of 4 stars; one submission).

Conditions:
Thyroid dyshormonogenesis 6 (TDH6). Also called: Genetic transient congenital hypothyroidism; HYPOTHYROIDISM, CONGENITAL, DUE TO DYSHORMONOGENESIS, 6; THYROID HORMONOGENESIS, GENETIC DEFECT IN, 6. Identifiers: Orphanet 226316, Orphanet 95716, MedGen C1846632, MONDO:0011792, OMIM 607200.

Submission:

Women's Health and Genetics/Laboratory Corporation of America, LabCorp
Classification: Likely pathogenic for Thyroid dyshormonogenesis 6. Last evaluated: 2018-06-15. Review status: criteria provided, single submitter. Criteria: LabCorp Variant Classification Summary - May 2015. Collection method: clinical testing. Allele origin: germline.
Comment: Variant summary: DUOX2 c.345_352delCGTGGTGA (p.Asp115GlufsX183) results in a premature termination codon, predicted to cause a truncation of the encoded protein or absence of the protein due to nonsense mediated decay, which are commonly known mechanisms for disease. Truncations downstream of this position have been classified as disease causing in HGMD (eg. c.377_379delCCG, c.477delC, c.596delC). The variant was absent in 244768 control chromosomes (gnomAD). To our knowledge, no occurrence of c.345_352delCGTGGTGA in individuals affected with Thyroid dyshormonogenesis 6 and no experimental evidence demonstrating its impact on protein function have been reported. No clinical diagnostic laboratories have submitted clinical-significance assessments for this variant to ClinVar after 2014. Based on the evidence outlined above, the variant was classified as likely pathogenic.

NM_001363711.2(DUOX2):c.345_352del (p.Asp115fs)

Gene: DUOX2 (dual oxidase 2; minus strand). Cytogenetic location: 15q21.1.
Variant type: Deletion.
Coding change: c.345_352del on transcript NM_001363711.2 (MANE Select); coding-DNA positions 345 to 352, 8 bases deleted (CGTGGTGA; older notation c.345_352delCGTGGTGA).
Protein change: p.Asp115fs; shifts the reading frame from aspartic acid 115.
Molecular consequence: frameshift variant.
Genome position (GRCh38, 1-based): chr15:45,111,929-45,111,936, TCACCACG deleted on the plus strand (CGTGGTGA on the coding strand, the reverse complement: DUOX2 is on the minus strand); deleting any 8 consecutive bases within chr15:45,111,929-45,111,938 gives the same sequence; the c. name uses the placement nearest the transcript's 3' end. VCF-style (leftmost placement, unchanged base first): chr15-45111928-CTCACCACG-C. GRCh37 (hg19) VCF-style: chr15-45404126-CTCACCACG-C.
Other names: c.345_352del, p.Asp115fs (NM_014080.5); c.345_352delCGTGGTGA (NM_014080.4); short protein forms D115fs.
Identifiers: ClinVar variation 633197 (VCV000633197.1), dbSNP rs1566978577, ClinGen allele CA913190497.